The following is an entry in ClinVar:

NM_020778.5(ALPK3):c.3939G>C (p.Gln1313His)

Gene: ALPK3 (alpha kinase 3; plus strand). Cytogenetic location: 15q25.3.
Variant type: single nucleotide variant.
Coding change: c.3939G>C on transcript NM_020778.5 (MANE Select); coding-DNA position 3939, G replaced by C.
Protein change: p.Gln1313His; replaces glutamine 1313 with histidine.
Molecular consequence: missense variant.
Genome position (GRCh38, 1-based): chr15:84,859,364, G>C. VCF-style: chr15-84859364-G-C. GRCh37 (hg19) VCF-style: chr15-85402595-G-C.
Other names: short protein forms Q1313H.
Identifiers: ClinVar variation 1504096 (VCV001504096.10), dbSNP rs935977042, ClinGen allele CA273626547.

ClinVar aggregate classification (germline): Uncertain significance. Review status: criteria provided, multiple submitters, no conflicts (2 of 4 stars). 2 submissions from 2 submitters: Uncertain significance (2). Last evaluated 2025-05-01.

Conditions:
Cardiovascular phenotype. Identifiers: MedGen CN230736.

Allele frequency attached by ClinVar (database versions not stated): gnomAD exomes below 0.00001; gnomAD 0.00001; TOPMed 0.00002.
gnomAD v4.1: 2 of 1,614,054 alleles (0.00012%); highest among the groups gnomAD compares: African/African-American, 0.0027%; no homozygotes.

Submissions (2):

Labcorp Genetics (formerly Invitae), Labcorp
Classification: Uncertain significance. Last evaluated: 2025-05-01. Review status: criteria provided, single submitter. Criteria: Invitae Variant Classification Sherloc (09022015). Collection method: clinical testing. Allele origin: germline.
Comment: This sequence change replaces glutamine, which is neutral and polar, with histidine, which is basic and polar, at codon 1515 of the ALPK3 protein (p.Gln1515His). This variant is present in population databases (no rsID available, gnomAD 0.008%). This variant has not been reported in the literature in individuals affected with ALPK3-related conditions. ClinVar contains an entry for this variant (Variation ID: 1504096). Invitae Evidence Modeling of protein sequence and biophysical properties (such as structural, functional, and spatial information, amino acid conservation, physicochemical variation, residue mobility, and thermodynamic stability) indicates that this missense variant is expected to disrupt ALPK3 protein function with a positive predictive value of 80%. In summary, the available evidence is currently insufficient to determine the role of this variant in disease. Therefore, it has been classified as a Variant of Uncertain Significance.

Ambry Genetics
Classification: Uncertain significance for Cardiovascular phenotype. Last evaluated: 2022-02-20. Review status: criteria provided, single submitter. Criteria: Ambry Variant Classification Scheme 2023. Collection method: clinical testing. Allele origin: germline.
Comment: The p.Q1515H variant (also known as c.4545G>C), located in coding exon 7 of the ALPK3 gene, results from a G to C substitution at nucleotide position 4545. The glutamine at codon 1515 is replaced by histidine, an amino acid with highly similar properties. This amino acid position is not well conserved in available vertebrate species. In addition, this alteration is predicted to be tolerated by in silico analysis. Since supporting evidence is limited at this time, the clinical significance of this alteration remains unclear.